The following is an entry in ClinVar:

NM_001368894.2(PAX6):c.498G>T (p.Gln166His)

Gene: PAX6 (paired box 6; minus strand). Cytogenetic location: 11p13.
Variant type: single nucleotide variant.
Coding change: c.498G>T on transcript NM_001368894.2 (MANE Select); coding-DNA position 498, G replaced by T.
Protein change: p.Gln166His; replaces glutamine 166 with histidine.
Molecular consequence: missense variant. On other transcripts: non-coding transcript variant (2).
Genome position (GRCh38, 1-based): chr11:31,800,758, C>A on the plus strand (G>T on the coding strand, the complement: PAX6 is on the minus strand). VCF-style: chr11-31800758-C-A. GRCh37 (hg19) VCF-style: chr11-31822306-C-A.
Other names: c.456G>T, p.Gln152His (NM_000280.6, NM_001127612.3, NM_001258464.2 and 10 more transcripts); c.498G>T, p.Gln166His (NM_001258462.3, NM_001258463.2, NM_001310158.2 and 6 more transcripts); c.48G>T, p.Gln16His (NM_001310160.2, NM_001310161.3, NM_001368904.2 and 11 more transcripts); c.699G>T, p.Gln233His (NM_001368910.2); c.501G>T, p.Gln167His (NM_001368911.2); c.573G>T, p.Gln191His (NM_001368918.2, NM_001368919.2); c.531G>T, p.Gln177His (NM_001368920.2); c.297G>T, p.Gln99His (NM_001368921.2, NM_001368922.2, NM_001368923.2 and 4 more transcripts); and 1 more; short protein forms Q152H, Q166H, Q167H, Q16H, Q177H, Q191H, Q233H, Q85H.
Identifiers: ClinVar variation 3753746 (VCV003753746.2).

ClinVar aggregate classification (germline): Uncertain significance (1 of 4 stars; one submission).

Conditions:
Aniridia 1 (AN1). Identifiers: Orphanet 250923, MedGen C0344542, MONDO:0024507, OMIM 106210.
Irido-corneo-trabecular dysgenesis (ASGD5). Also called: ANTERIOR SEGMENT DYSGENESIS 5. Identifiers: Orphanet 708, MedGen C0344559, MONDO:0011414, OMIM 604229, HP:0000659.

Submission:

Labcorp Genetics (formerly Invitae), Labcorp
Classification: Uncertain significance for Aniridia 1; Irido-corneo-trabecular dysgenesis. Last evaluated: 2024-09-30. Review status: criteria provided, single submitter. Criteria: Invitae Variant Classification Sherloc (09022015). Collection method: clinical testing. Allele origin: germline.
Comment: This sequence change replaces glutamine, which is neutral and polar, with histidine, which is basic and polar, at codon 152 of the PAX6 protein (p.Gln152His). This variant is not present in population databases (gnomAD no frequency). This variant has not been reported in the literature in individuals affected with PAX6-related conditions. Invitae Evidence Modeling of protein sequence and biophysical properties (such as structural, functional, and spatial information, amino acid conservation, physicochemical variation, residue mobility, and thermodynamic stability) indicates that this missense variant is not expected to disrupt PAX6 protein function with a negative predictive value of 95%. In summary, the available evidence is currently insufficient to determine the role of this variant in disease. Therefore, it has been classified as a Variant of Uncertain Significance.